The following is an entry in ClinVar:

ClinVar aggregate classification (germline): Uncertain significance. Review status: criteria provided, multiple submitters, no conflicts (2 of 4 stars). 3 submissions from 3 submitters: Uncertain significance (3). Last evaluated 2025-05-20.

Conditions:
Alstrom syndrome (ALMS). Identifiers: Orphanet 64, MedGen C0268425, MONDO:0008763, OMIM 203800.
Cardiovascular phenotype. Identifiers: MedGen CN230736.

Allele frequency attached by ClinVar (database versions not stated): gnomAD exomes below 0.00001; TOPMed below 0.00001.
gnomAD v4.1: 1 of 1,614,130 alleles (0.000062%); highest among the groups gnomAD compares: Non-Finnish European, 0.000085%; no homozygotes.

Submissions (3):

GeneDx
Classification: Uncertain significance. Last evaluated: 2025-05-20. Review status: criteria provided, single submitter. Criteria: GeneDx Variant Classification Process June 2021. Collection method: clinical testing. Allele origin: germline. Affected: yes.
Comment: Not observed at significant frequency in large population cohorts (gnomAD); In silico analysis suggests that this missense variant does not alter protein structure/function; Has not been previously published as pathogenic or benign to our knowledge

Ambry Genetics
Classification: Uncertain significance for Cardiovascular phenotype. Last evaluated: 2025-01-02. Review status: criteria provided, single submitter. Criteria: Ambry Variant Classification Scheme 2023. Collection method: clinical testing. Allele origin: germline.
Comment: The p.T2555A variant (also known as c.7663A>G), located in coding exon 9 of the ALMS1 gene, results from an A to G substitution at nucleotide position 7663. The threonine at codon 2555 is replaced by alanine, an amino acid with similar properties. This amino acid position is not well conserved in available vertebrate species. In addition, this alteration is predicted to be tolerated by in silico analysis. Based on the available evidence, the clinical significance of this variant remains unclear.

Labcorp Genetics (formerly Invitae), Labcorp
Classification: Uncertain significance for Alstrom syndrome. Last evaluated: 2022-07-22. Review status: criteria provided, single submitter. Criteria: Invitae Variant Classification Sherloc (09022015). Collection method: clinical testing. Allele origin: germline.
Comment: This sequence change replaces threonine, which is neutral and polar, with alanine, which is neutral and non-polar, at codon 2555 of the ALMS1 protein (p.Thr2555Ala). This variant is not present in population databases (gnomAD no frequency). This variant has not been reported in the literature in individuals affected with ALMS1-related conditions. Experimental studies and prediction algorithms are not available or were not evaluated, and the functional significance of this variant is currently unknown. In summary, the available evidence is currently insufficient to determine the role of this variant in disease. Therefore, it has been classified as a Variant of Uncertain Significance.

NM_001378454.1(ALMS1):c.7660A>G (p.Thr2554Ala)

Gene: ALMS1 (ALMS1 centrosome and basal body associated protein; plus strand). Cytogenetic location: 2p13.1.
Variant type: single nucleotide variant.
Coding change: c.7660A>G on transcript NM_001378454.1 (MANE Select); coding-DNA position 7660, A replaced by G.
Protein change: p.Thr2554Ala; replaces threonine 2554 with alanine.
Molecular consequence: missense variant.
Genome position (GRCh38, 1-based): chr2:73,455,281, A>G. VCF-style: chr2-73455281-A-G. GRCh37 (hg19) VCF-style: chr2-73682408-A-G.
Other names: c.7663A>G, p.Thr2555Ala (NM_015120.4); short protein forms T2555A, T2554A.
Identifiers: ClinVar variation 2165669 (VCV002165669.3), dbSNP rs1013265553, ClinGen allele CA50399830.